The following is an entry in ClinVar:

NM_015354.3(NUP188):c.4102_4103del (p.Ser1368fs)

Gene: NUP188 (nucleoporin 188; plus strand). Cytogenetic location: 9q34.11.
Variant type: Deletion.
Coding change: c.4102_4103del on transcript NM_015354.3 (MANE Select); coding-DNA positions 4102 to 4103, 2 bases deleted (AG; older notation c.4102_4103delAG).
Protein change: p.Ser1368fs; shifts the reading frame from serine 1368.
Molecular consequence: frameshift variant.
Genome position (GRCh38, 1-based): chr9:129,001,941-129,001,942, AG deleted; deleting any 2 consecutive bases within chr9:129,001,940-129,001,942 gives the same sequence; the c. name uses the placement nearest the transcript's 3' end. VCF-style (leftmost placement, unchanged base first): chr9-129001939-TGA-T. GRCh37 (hg19) VCF-style: chr9-131764218-TGA-T.
Other names: short protein forms S1368fs.
Identifiers: ClinVar variation 3382125 (VCV003382125.2).
Genomic context (GRCh38, chr9:129,001,939, plus strand): 5'-CCCAGGGAGCCACAGCAGTGGCTGGAGCTGGCATCACCCAGAGCATTTGTTTGCCCCTTC[TGA>T]GTGTGTACCAGCTGAGCACCAACGGCACAGCACAGGTGAGTGTCAGGAGCTTGCCAGGAG-3'

ClinVar aggregate classification (germline): Likely pathogenic (1 of 4 stars; one submission).

Conditions:
Sandestig-stefanova syndrome. Identifiers: MedGen C5394118, MONDO:0032926, OMIM 618804.

Submission:

Juno Genomics, Hangzhou Juno Genomics, Inc
Classification: Likely pathogenic for Sandestig-stefanova syndrome. Review status: criteria provided, single submitter. Criteria: ACMG Guidelines, 2015. Collection method: clinical testing. Allele origin: germline. Affected: yes.
Comment: Absent from controls (or at extremely low frequency if recessive) in Genome Aggregation Database, Exome Sequencing Project, 1000 Genomes Project, or Exome Aggregation Consortium.;Null variant in a gene where loss of function (LOF) is a known mechanism of disease.